The following is an entry in ClinVar:

NM_018474.6(KIZ):c.961T>C (p.Ser321Pro)

Gene: KIZ (kizuna centrosomal protein; plus strand). Cytogenetic location: 20p11.23.
Variant type: single nucleotide variant.
Coding change: c.961T>C on transcript NM_018474.6 (MANE Select); coding-DNA position 961, T replaced by C.
Protein change: p.Ser321Pro; replaces serine 321 with proline.
Molecular consequence: missense variant.
Genome position (GRCh38, 1-based): chr20:21,162,426, T>C. VCF-style: chr20-21162426-T-C. GRCh37 (hg19) VCF-style: chr20-21143067-T-C.
Other names: c.652T>C, p.Ser218Pro (NM_001163022.3, NM_001352435.2); c.562T>C, p.Ser188Pro (NM_001163023.3); c.814T>C, p.Ser272Pro (NM_001276389.2); c.961T>C, p.Ser321Pro (NM_001352434.2); c.619T>C, p.Ser207Pro (NM_001352436.2); c.961T>C (NM_018474.5); short protein forms S218P, S272P, S188P, S207P, S321P.
Identifiers: ClinVar variation 732131 (VCV000732131.14), dbSNP rs116937124, ClinGen allele CA9784747.
Genomic context (GRCh38, chr20:21,162,426, plus strand): 5'-GGAGAAATACTGACACGGGAACATATTGAAGTTGAGGAAAAAAGAGCCAGCCCGCCAGTC[T>C]CTCCGATACCAGTTTCAGAATACTGTGAATCTGAAAATAAGTGGTCTCAAGAGAAGCATT-3'
Protein context (NP_060944.3, residues 311-331): VEEKRASPPV[Ser321Pro]PIPVSEYCES

ClinVar aggregate classification (germline): Likely benign. Review status: criteria provided, multiple submitters, no conflicts (2 of 4 stars). 4 submissions from 4 submitters: Likely benign (4). Last evaluated 2026-01-26.

Conditions:
Retinal dystrophy. Also called: Inherited retinal dystrophy. Identifiers: Orphanet 71862, MedGen C0854723, MeSH D058499, MONDO:0019118, HP:0000556.
KIZ-related disorder. Also called: KIZ-related condition.

Allele frequency attached by ClinVar (database versions not stated): gnomAD exomes 0.00012 and 0.00042; gnomAD 0.00016 and 0.00020; TOPMed 0.00023; ExAC 0.00042; 1000 Genomes Project 0.00120; 1000 Genomes Project 30x 0.00125.
gnomAD v4.1: 211 of 1,613,214 alleles (0.013%); highest among the groups gnomAD compares: East Asian, 0.46%; 1 homozygote.

Submissions (4):

Labcorp Genetics (formerly Invitae), Labcorp
Classification: Likely benign. Last evaluated: 2026-01-26. Review status: criteria provided, single submitter. Criteria: Invitae Variant Classification Sherloc (09022015). Collection method: clinical testing. Allele origin: germline.

PreventionGenetics, part of Exact Sciences
Classification: Likely benign for KIZ-related condition. Last evaluated: 2025-04-29. Review status: criteria provided, single submitter. Criteria: ACMG Guidelines, 2015. Collection method: clinical testing. Allele origin: germline.
Comment: This variant is classified as likely benign based on ACMG/AMP sequence variant interpretation guidelines (Richards et al. 2015 PMID: 25741868, with internal and published modifications).

Blueprint Genetics
Classification: Likely benign. Last evaluated: 2024-10-22. Review status: criteria provided, single submitter. Criteria: ACMG Guidelines, 2015. Collection method: clinical testing. Allele origin: germline.

Dept Of Ophthalmology, Nagoya University
Classification: Likely benign for Retinal dystrophy. Last evaluated: 2023-10-01. Review status: criteria provided, single submitter. Criteria: Submitter's publication. Collection method: research. Allele origin: germline. Affected: yes.